The following is an entry in ClinVar:

ClinVar aggregate classification (germline): Uncertain significance (1 of 4 stars; one submission).

Conditions:
Cardiovascular phenotype. Identifiers: MedGen CN230736.

Submission:

Ambry Genetics
Classification: Uncertain significance for Cardiovascular phenotype. Last evaluated: 2026-07-19. Review status: criteria provided, single submitter. Criteria: Ambry Variant Classification Scheme 2023. Collection method: clinical testing. Allele origin: germline.
Comment: The p.A51D variant (also known as c.152C>A), located in coding exon 2 of the MYBPC3 gene, results from a C to A substitution at nucleotide position 152. The alanine at codon 51 is replaced by aspartic acid, an amino acid with dissimilar properties. This amino acid position is conserved. In addition, this alteration is predicted to be tolerated by in silico analysis. Based on the available evidence, the clinical significance of this variant remains unclear.

NM_000256.3(MYBPC3):c.152C>A (p.Ala51Asp)

Gene: MYBPC3 (myosin binding protein C3; minus strand). Cytogenetic location: 11p11.2.
Variant type: single nucleotide variant.
Coding change: c.152C>A on transcript NM_000256.3 (MANE Select); coding-DNA position 152, C replaced by A.
Protein change: p.Ala51Asp; replaces alanine 51 with aspartic acid.
Molecular consequence: missense variant.
Genome position (GRCh38, 1-based): chr11:47,351,379, G>T on the plus strand (C>A on the coding strand, the complement: MYBPC3 is on the minus strand). VCF-style: chr11-47351379-G-T. GRCh37 (hg19) VCF-style: chr11-47372930-G-T.
Other names: short protein forms A51D.
Identifiers: ClinVar variation 5025023 (VCV005025023.1).